The following is an entry in ClinVar:

ClinVar aggregate classification (germline): Uncertain significance (1 of 4 stars; one submission).

Conditions:
Epilepsy, progressive myoclonic, 1B. Also called: PME. Identifiers: Orphanet 308, MedGen C2676254, MONDO:0012904, OMIM 612437.

Allele frequency attached by ClinVar (database versions not stated): gnomAD exomes below 0.00001; ExAC 0.00001.

Submission:

Labcorp Genetics (formerly Invitae), Labcorp
Classification: Uncertain significance for Epilepsy, progressive myoclonic, 1B. Last evaluated: 2021-03-26. Review status: criteria provided, single submitter. Criteria: Invitae Variant Classification Sherloc (09022015). Collection method: clinical testing. Allele origin: germline.
Comment: In summary, the available evidence is currently insufficient to determine the role of this variant in disease. Therefore, it has been classified as a Variant of Uncertain Significance. Algorithms developed to predict the effect of missense changes on protein structure and function (SIFT, PolyPhen-2, Align-GVGD) all suggest that this variant is likely to be disruptive, but these predictions have not been confirmed by published functional studies and their clinical significance is uncertain. This variant has not been reported in the literature in individuals with PRICKLE1-related conditions. This variant is present in population databases (rs750913400, ExAC 0.01%). This sequence change replaces proline with leucine at codon 651 of the PRICKLE1 protein (p.Pro651Leu). The proline residue is highly conserved and there is a moderate physicochemical difference between proline and leucine.

NM_153026.3(PRICKLE1):c.1952C>T (p.Pro651Leu)

Gene: PRICKLE1 (prickle planar cell polarity protein 1; minus strand). Cytogenetic location: 12q12.
Variant type: single nucleotide variant.
Coding change: c.1952C>T on transcript NM_153026.3 (MANE Select); coding-DNA position 1952, C replaced by T.
Protein change: p.Pro651Leu; replaces proline 651 with leucine.
Molecular consequence: missense variant.
Genome position (GRCh38, 1-based): chr12:42,460,353, G>A on the plus strand (C>T on the coding strand, the complement: PRICKLE1 is on the minus strand). VCF-style: chr12-42460353-G-A. GRCh37 (hg19) VCF-style: chr12-42854155-G-A.
Other names: c.1952C>T, p.Pro651Leu (NM_001144881.2, NM_001144882.2, NM_001144883.2); short protein forms P651L.
Identifiers: ClinVar variation 1359565 (VCV001359565.8), dbSNP rs750913400, ClinGen allele CA6519674.